The following is an entry in ClinVar:

NM_006567.5(FARS2):c.1331T>C (p.Leu444Pro)

Gene: FARS2 (phenylalanyl-tRNA synthetase 2, mitochondrial; plus strand). Cytogenetic location: 6p25.1.
Variant type: single nucleotide variant.
Coding change: c.1331T>C on transcript NM_006567.5 (MANE Select); coding-DNA position 1331, T replaced by C.
Protein change: p.Leu444Pro; replaces leucine 444 with proline.
Molecular consequence: missense variant.
Genome position (GRCh38, 1-based): chr6:5,771,404, T>C. VCF-style: chr6-5771404-T-C. GRCh37 (hg19) VCF-style: chr6-5771637-T-C.
Other names: c.1331T>C, p.Leu444Pro (NM_001318872.2, NM_001374875.1, NM_001374876.1 and 4 more transcripts); c.1199T>C, p.Leu400Pro (NM_001375258.1); c.635T>C, p.Leu212Pro (NM_001375259.1, NM_001375260.1); short protein forms L400P, L212P, L444P.
Identifiers: ClinVar variation 4775935 (VCV004775935.1).

ClinVar aggregate classification (germline): Uncertain significance (1 of 4 stars; one submission).

Conditions:
Combined oxidative phosphorylation defect type 14. Also called: Combined oxidative phosphorylation deficiency 14. Identifiers: Orphanet 319519, MedGen C4755312, MONDO:0013986, OMIM 614946.

gnomAD v4.1: 3 of 1,614,160 alleles (0.00019%); highest among the groups gnomAD compares: Non-Finnish European, 0.00025%; no homozygotes.

Submission:

Labcorp Genetics (formerly Invitae), Labcorp
Classification: Uncertain significance for Combined oxidative phosphorylation defect type 14. Last evaluated: 2025-07-13. Review status: criteria provided, single submitter. Criteria: Invitae Variant Classification Sherloc (09022015). Collection method: clinical testing. Allele origin: germline.
Comment: This sequence change replaces leucine, which is neutral and non-polar, with proline, which is neutral and non-polar, at codon 444 of the FARS2 protein (p.Leu444Pro). This variant is present in population databases (no rsID available, gnomAD 0.0009%). This variant has not been reported in the literature in individuals affected with FARS2-related conditions. Invitae Evidence Modeling of protein sequence and biophysical properties (such as structural, functional, and spatial information, amino acid conservation, physicochemical variation, residue mobility, and thermodynamic stability) indicates that this missense variant is not expected to disrupt FARS2 protein function with a negative predictive value of 80%. In summary, the available evidence is currently insufficient to determine the role of this variant in disease. Therefore, it has been classified as a Variant of Uncertain Significance.